The following is an entry in ClinVar:

NM_000213.5(ITGB4):c.1762-17G>A

Gene: ITGB4 (integrin subunit beta 4; plus strand). Cytogenetic location: 17q25.1.
Variant type: single nucleotide variant.
Coding change: c.1762-17G>A on transcript NM_000213.5 (MANE Select); 17 bases into the intron before coding-DNA position 1762, G replaced by A.
Molecular consequence: intron variant.
Genome position (GRCh38, 1-based): chr17:75,736,271, G>A. VCF-style: chr17-75736271-G-A. GRCh37 (hg19) VCF-style: chr17-73732352-G-A.
Other names: c.1762-17G>A (NM_001005619.2, NM_001005731.3, NM_001438834.1 and 1 more transcripts).
Identifiers: ClinVar variation 3023694 (VCV003023694.5), dbSNP rs201593492, ClinGen allele CA8769124.
Genomic context (GRCh38, chr17:75,736,271, plus strand): 5'-AGAACCCTATGGAGAGAGGAGAGGGAGCAGGCAGGGATGGGGCACAGCTGGCTCACTGGT[G>A]CCCCCTCCTACCCCAGGGCATCTGTAATGGACGTGGCCACTGTGAGTGTGGCCGCTGCCA-3'

ClinVar aggregate classification (germline): Benign. Review status: criteria provided, single submitter (1 of 4 stars). 2 submissions from 2 submitters: Benign (1). 1 of the submissions does not count toward it. Last evaluated 2025-12-08.

Conditions:
ITGB4-related disorder. Also called: ITGB4-related condition.

Allele frequency attached by ClinVar (database versions not stated): ExAC 0.00008; gnomAD exomes 0.00004; gnomAD 0.00005; 1000 Genomes Project 30x 0.00016; 1000 Genomes Project 0.00020; TOPMed 0.00006.
gnomAD v4.1: 66 of 1,611,966 alleles (0.0041%); highest among the groups gnomAD compares: East Asian, 0.13%; 1 homozygote.

Submissions (2):

Labcorp Genetics (formerly Invitae), Labcorp
Classification: Benign. Last evaluated: 2025-12-08. Review status: criteria provided, single submitter. Criteria: Invitae Variant Classification Sherloc (09022015). Collection method: clinical testing. Allele origin: germline.

PreventionGenetics, part of Exact Sciences
Classification: Likely benign for ITGB4-related condition. Last evaluated: 2019-05-06. Review status: no assertion criteria provided. Collection method: clinical testing. Allele origin: germline. Not counted in ClinVar's aggregate classification.
Comment: This variant is classified as likely benign based on ACMG/AMP sequence variant interpretation guidelines (Richards et al. 2015 PMID: 25741868, with internal and published modifications).